The following is an entry in ClinVar:

ClinVar aggregate classification (germline): Uncertain significance (0 of 4 stars; one submission).

Conditions:
BRCA1-related disorder. Also called: BRCA1-related condition.

gnomAD v4.1: 11 of 534,846 alleles (0.0021%); highest among the groups gnomAD compares: Admixed American, 0.02%; no homozygotes.

Submission:

PreventionGenetics, part of Exact Sciences
Classification: Uncertain significance for BRCA1-related condition. Last evaluated: 2024-05-14. Review status: no assertion criteria provided. Collection method: clinical testing. Allele origin: germline.
Comment: The BRCA1 c.*525T>C variant is located in the 3' untranslated region. To our knowledge, this variant has not been reported in the literature. This variant is reported in 0.032% of alleles in individuals of Latino descent in gnomAD. At this time, the clinical significance of this variant is uncertain due to the absence of conclusive functional and genetic evidence.

NM_007294.4(BRCA1):c.*525T>C

Gene: BRCA1 (BRCA1 DNA repair associated; minus strand). Cytogenetic location: 17q21.31.
Variant type: single nucleotide variant.
Coding change: c.*525T>C on transcript NM_007294.4 (MANE Select); 525 bases downstream of the stop codon, T replaced by C.
Molecular consequence: 3 prime UTR variant.
Genome position (GRCh38, 1-based): chr17:43,045,153, A>G on the plus strand (T>C on the coding strand, the complement: BRCA1 is on the minus strand). VCF-style: chr17-43045153-A-G. GRCh37 (hg19) VCF-style: chr17-41197170-A-G.
Other names: c.*525T>C (NM_001407571.1, NM_001407581.1, NM_001407582.1 and 347 more transcripts); c.*631T>C (NM_001407854.1, NM_001407858.1, NM_001407859.1 and 14 more transcripts).
Identifiers: ClinVar variation 3352239 (VCV003352239.1).